The following is an entry in ClinVar:

NM_145064.3(STAC3):c.88_91del (p.Leu30fs)

Gene: STAC3 (SH3 and cysteine rich domain 3; minus strand). Cytogenetic location: 12q13.3.
Variant type: Deletion.
Coding change: c.88_91del on transcript NM_145064.3 (MANE Select); coding-DNA positions 88 to 91, 4 bases deleted (CTCA; older notation c.88_91delCTCA).
Protein change: p.Leu30fs; shifts the reading frame from leucine 30.
Molecular consequence: frameshift variant. On other transcripts: 5 prime UTR variant (1), intron variant (1).
Genome position (GRCh38, 1-based): chr12:57,249,284-57,249,287, TGAG deleted on the plus strand (CTCA on the coding strand, the reverse complement: STAC3 is on the minus strand); deleting any 4 consecutive bases within chr12:57,249,284-57,249,288 gives the same sequence; the c. name uses the placement nearest the transcript's 3' end. VCF-style (leftmost placement, unchanged base first): chr12-57249283-CTGAG-C. GRCh37 (hg19) VCF-style: chr12-57643066-CTGAG-C.
Other names: c.-30_-27del (NM_001286256.2); c.-126-1089_-126-1086del (NM_001286257.2); short protein forms L30fs.
Identifiers: ClinVar variation 3075953 (VCV003075953.1), dbSNP rs777740921, ClinGen allele CA6647246.
Genomic context (GRCh38, chr12:57,249,283, plus strand): 5'-TCCCCATTGGCCTGGGGCTCTGGGGGAAGTTCCATCTCCTTTGTCCCTGTAGAACCCTTC[CTGAG>C]TAACTGCTTTAGCCGCTGTAGCTGAGGGAGGGAGTGAAGAAAACCCAATGTTAAAAGGAC-3'

ClinVar aggregate classification (germline): Likely pathogenic (1 of 4 stars; one submission).

Conditions:
Congenital myopathy. Identifiers: Orphanet 97245, MedGen C0270960, MONDO:0019952.

Submission:

Laboratory for Molecular Medicine, Mass General Brigham Personalized Medicine
Classification: Likely pathogenic for Congenital myopathy. Last evaluated: 2023-08-15. Review status: criteria provided, single submitter. Criteria: ACMG Guidelines, 2015. Collection method: clinical testing. Allele origin: germline. Inheritance: Autosomal recessive inheritance.
Comment: The p.Leu30GlyfsX79 variant in STAC3 has not been previously reported in individuals with STAC3-associated myopathy but has been identified in 0.002% (1/41416) of African chromosomes by gnomAD (v.3.1.2). This variant is predicted to cause a frameshift, which alters the protein’s amino acid sequence beginning at position 30 and leads to a premature termination codon 79 amino acids downstream. This alteration is then predicted to lead to a truncated or absent protein. Heterozygous loss of function truncating variants in the STAC3 gene have been reported in individuals with STAC3 disorder (Telegrafi 2017 PMID: 28777491, Grzybowski 2017 PMID: 28411587). Additionally, knock out mouse models displayed skeletal muscle abnormalities similar to those observed in human myopathies (Reinholt 2013, PMID: 23626854). In summary, although additional studies are required to fully establish its clinical significance, this variant meets criteria to be classified as likely pathogenic for autosomal recessive STAC3 disorder. ACMG/AMP Criteria applied: PVS1, PM2_Supporting.

Literature cited by the submitters: PubMed 28411587; PubMed 23626854; PubMed 28777491.